The following is an entry in ClinVar:

NM_001040142.2(SCN2A):c.2204T>C (p.Met735Thr)

Gene: SCN2A (sodium voltage-gated channel alpha subunit 2; plus strand). Cytogenetic location: 2q24.3.
Variant type: single nucleotide variant.
Coding change: c.2204T>C on transcript NM_001040142.2 (MANE Select); coding-DNA position 2204, T replaced by C.
Protein change: p.Met735Thr; replaces methionine 735 with threonine.
Molecular consequence: missense variant.
Genome position (GRCh38, 1-based): chr2:165,331,384, T>C. VCF-style: chr2-165331384-T-C. GRCh37 (hg19) VCF-style: chr2-166187894-T-C.
Other names: c.2204T>C, p.Met735Thr (NM_001040143.2, NM_001371246.1, NM_001371247.1 and 1 more transcripts); short protein forms M735T.
Identifiers: ClinVar variation 1515711 (VCV001515711.33), dbSNP rs924845392, ClinGen allele CA349030715.

ClinVar aggregate classification (germline): Uncertain significance. Review status: criteria provided, multiple submitters, no conflicts (2 of 4 stars). 2 submissions from 2 submitters: Uncertain significance (2). Last evaluated 2024-09-30.

Conditions:
Seizures, benign familial infantile, 3 (BFIS3). Also called: CONVULSIONS, BENIGN FAMILIAL INFANTILE, 3; Familial neonatal seizures. Identifiers: Orphanet 140927, Orphanet 306, MedGen C1843140, MONDO:0011904, OMIM 607745.
Developmental and epileptic encephalopathy, 11 (DEE11). Also called: Early infantile epileptic encephalopathy 11. Identifiers: Orphanet 1934, MedGen C3150987, MONDO:0013388, OMIM 613721.

gnomAD v4.1: 3 of 1,613,832 alleles (0.00019%); highest among the groups gnomAD compares: Non-Finnish European, 0.00025%; no homozygotes.

Submissions (2):

Labcorp Genetics (formerly Invitae), Labcorp
Classification: Uncertain significance for Seizures, benign familial infantile, 3; Developmental and epileptic encephalopathy, 11. Last evaluated: 2024-09-30. Review status: criteria provided, single submitter. Criteria: Invitae Variant Classification Sherloc (09022015). Collection method: clinical testing. Allele origin: germline.
Comment: This sequence change replaces methionine, which is neutral and non-polar, with threonine, which is neutral and polar, at codon 735 of the SCN2A protein (p.Met735Thr). This variant is present in population databases (no rsID available, gnomAD 0.0009%). This variant has not been reported in the literature in individuals affected with SCN2A-related conditions. ClinVar contains an entry for this variant (Variation ID: 1515711). Invitae Evidence Modeling of protein sequence and biophysical properties (such as structural, functional, and spatial information, amino acid conservation, physicochemical variation, residue mobility, and thermodynamic stability) indicates that this missense variant is not expected to disrupt SCN2A protein function with a negative predictive value of 95%. In summary, the available evidence is currently insufficient to determine the role of this variant in disease. Therefore, it has been classified as a Variant of Uncertain Significance.

CeGaT Center for Human Genetics Tuebingen
Classification: Uncertain significance. Last evaluated: 2023-03-01. Review status: criteria provided, single submitter. Criteria: CeGaT Center For Human Genetics Tuebingen Variant Classification Criteria Version 2. Collection method: clinical testing. Allele origin: germline. Affected: yes. Observed: 1 variant allele.
Comment: SCN2A: PM2:Supporting, BP4